The following is an entry in ClinVar:

ClinVar aggregate classification (germline): Pathogenic/Likely pathogenic. Review status: criteria provided, multiple submitters, no conflicts (2 of 4 stars). 4 submissions from 4 submitters: Pathogenic (2); Likely pathogenic (1). 1 of the submissions does not count toward it. Last evaluated 2023-04-12.

Conditions:
Von Hippel-Lindau syndrome (VHLS). Also called: von Hippel–Lindau syndrome; Von Hippel-Lindau; VHL syndrome. Identifiers: Orphanet 892, MedGen C0019562, MONDO:0008667, OMIM 193300. Disease mechanism: loss of function.
Chuvash polycythemia. Also called: POLYCYTHEMIA, VHL-DEPENDENT. Identifiers: Orphanet 238557, MedGen C1837915, MONDO:0009892, OMIM 263400.

Submissions (4):

Labcorp Genetics (formerly Invitae), Labcorp
Classification: Pathogenic for Von Hippel-Lindau syndrome; Chuvash polycythemia. Last evaluated: 2023-04-12. Review status: criteria provided, single submitter. Criteria: Invitae Variant Classification Sherloc (09022015). Collection method: clinical testing. Allele origin: germline.
Comment: For these reasons, this variant has been classified as Pathogenic. This variant disrupts the p.Asn78 amino acid residue in VHL. Other variant(s) that disrupt this residue have been determined to be pathogenic (PMID: 7728151, 8956040, 12114495, 15109448, 15300849, 19464396, 23842656). This suggests that this residue is clinically significant, and that variants that disrupt this residue are likely to be disease-causing. Advanced modeling of protein sequence and biophysical properties (such as structural, functional, and spatial information, amino acid conservation, physicochemical variation, residue mobility, and thermodynamic stability) performed at Invitae indicates that this missense variant is expected to disrupt VHL protein function. ClinVar contains an entry for this variant (Variation ID: 625226). This missense change has been observed in individual(s) with von Hippel-Lindau syndrome (PMID: 23224817). It has also been observed to segregate with disease in related individuals. This variant is not present in population databases (gnomAD no frequency). This sequence change replaces asparagine, which is neutral and polar, with aspartic acid, which is acidic and polar, at codon 78 of the VHL protein (p.Asn78Asp).

GeneDx
Classification: Likely pathogenic. Last evaluated: 2022-06-30. Review status: criteria provided, single submitter. Criteria: GeneDx Variant Classification Process June 2021. Collection method: clinical testing. Allele origin: germline. Affected: yes.
Comment: Observed in individuals meeting diagnostic criteria of von Hippel-Lindau syndrome and segregated with disease in one family (Cingoz 2013, Lee 2016); Not observed in large population cohorts (gnomAD); In silico analysis supports that this missense variant has a deleterious effect on protein structure/function; This variant is associated with the following publications: (PMID: 20233476, 24727139, 23842656, 7728151, 12114495, 15300849, 8956040, 15109448, 27439424, 23224817)

Genomic Diagnostic Laboratory, Division of Genomic Diagnostics, Children's Hospital of Philadelphia
Classification: Pathogenic for von Hippel-Lindau syndrome. Last evaluated: 2018-08-01. Review status: criteria provided, single submitter. Criteria: DGD Variant Analysis Guidelines. Collection method: clinical testing. Allele origin: germline. Affected: yes. Observed: 3 variant alleles.

Clinical Genomics Labs, University Health Network
Classification: Likely pathogenic for Von Hippel-Lindau syndrome. Last evaluated: 2018-08-08. Review status: no assertion criteria provided. Criteria: ACMG Guidelines, 2015. Collection method: clinical testing. Allele origin: germline. Not counted in ClinVar's aggregate classification.

Literature cited by the submitters: PubMed 7728151 (cited by Labcorp Genetics (formerly Invitae), Labcorp); PubMed 8956040 (cited by Labcorp Genetics (formerly Invitae), Labcorp); PubMed 12114495 (cited by Labcorp Genetics (formerly Invitae), Labcorp); PubMed 15109448 (cited by Labcorp Genetics (formerly Invitae), Labcorp); PubMed 15300849 (cited by Labcorp Genetics (formerly Invitae), Labcorp); PubMed 19464396 (cited by Labcorp Genetics (formerly Invitae), Labcorp); PubMed 23842656 (cited by Labcorp Genetics (formerly Invitae), Labcorp); PubMed 23224817 (cited by Labcorp Genetics (formerly Invitae), Labcorp).

NM_000551.4(VHL):c.232A>G (p.Asn78Asp)

Gene: VHL (von Hippel-Lindau tumor suppressor; plus strand). Cytogenetic location: 3p25.3.
Variant type: single nucleotide variant.
Coding change: c.232A>G on transcript NM_000551.4 (MANE Select); coding-DNA position 232, A replaced by G.
Protein change: p.Asn78Asp; replaces asparagine 78 with aspartic acid.
Molecular consequence: missense variant.
Genome position (GRCh38, 1-based): chr3:10,142,079, A>G. VCF-style: chr3-10142079-A-G. GRCh37 (hg19) VCF-style: chr3-10183763-A-G.
Other names: c.232A>G, p.Asn78Asp (NM_001354723.2, NM_198156.3); short protein forms N78D.
Identifiers: ClinVar variation 625226 (VCV000625226.11), dbSNP rs869025621, ClinGen allele CA351749284.